The following is an entry in ClinVar:

NM_000548.5(TSC2):c.2374C>G (p.Leu792Val)

Gene: TSC2 (TSC complex subunit 2; plus strand). Cytogenetic location: 16p13.3.
Variant type: single nucleotide variant.
Coding change: c.2374C>G on transcript NM_000548.5 (MANE Select); coding-DNA position 2374, C replaced by G.
Protein change: p.Leu792Val; replaces leucine 792 with valine.
Molecular consequence: missense variant. On other transcripts: non-coding transcript variant (5).
Genome position (GRCh38, 1-based): chr16:2,074,218, C>G. VCF-style: chr16-2074218-C-G. GRCh37 (hg19) VCF-style: chr16-2124219-C-G.
Other names: c.1774C>G, p.Leu592Val (NM_001406680.1, NM_001406682.1, NM_001406683.1 and 6 more transcripts); c.1912C>G, p.Leu638Val (NM_001406681.1); c.1030C>G, p.Leu344Val (NM_001406689.1, NM_001406690.1, NM_001406691.1 and 6 more transcripts); c.2374C>G, p.Leu792Val (NM_001077183.3, NM_001114382.3, NM_001363528.2 and 6 more transcripts); c.2263C>G, p.Leu755Val (NM_001318827.2, NM_001406670.1, NM_001406678.1); c.2227C>G, p.Leu743Val (NM_001318829.2, NM_001406675.1, NM_001406676.1 and 1 more transcripts); c.2407C>G, p.Leu803Val (NM_001318832.2); c.2464C>G, p.Leu822Val (NM_001406667.1, NM_001406668.1); and 3 more; short protein forms L258V, L344V, L592V, L638V, L743V, L755V, L773V, L788V.
Identifiers: ClinVar variation 4808044 (VCV004808044.1).
Genomic context (GRCh38, chr16:2,074,218, plus strand): 5'-TGCTGCAAGCGGGTGGGGCCTGAGGTGTCCTGTCTCCTGCAGCGCGAGATGGTCTACTGC[C>G]TGGAGCAGGGCCTCATCCACCGCTGTGCCAGCCAGTGCGTCGTGGCCTTGTCCATCTGCA-3'
Protein context (NP_000539.2, residues 782-802): KTKQREMVYC[Leu792Val]EQGLIHRCAS

ClinVar aggregate classification (germline): Uncertain significance (1 of 4 stars; one submission).

Conditions:
Tuberous sclerosis 2 (TSC2). Identifiers: Orphanet 805, MedGen C1860707, MONDO:0013199, OMIM 613254.

Submission:

Labcorp Genetics (formerly Invitae), Labcorp
Classification: Uncertain significance for Tuberous sclerosis 2. Last evaluated: 2025-04-11. Review status: criteria provided, single submitter. Criteria: Invitae Variant Classification Sherloc (09022015). Collection method: clinical testing. Allele origin: germline.
Comment: This sequence change replaces leucine, which is neutral and non-polar, with valine, which is neutral and non-polar, at codon 792 of the TSC2 protein (p.Leu792Val). This variant is not present in population databases (gnomAD no frequency). This variant has not been reported in the literature in individuals affected with TSC2-related conditions. Invitae Evidence Modeling of protein sequence and biophysical properties (such as structural, functional, and spatial information, amino acid conservation, physicochemical variation, residue mobility, and thermodynamic stability) indicates that this missense variant is not expected to disrupt TSC2 protein function with a negative predictive value of 95%. In summary, the available evidence is currently insufficient to determine the role of this variant in disease. Therefore, it has been classified as a Variant of Uncertain Significance.